The following is an entry in ClinVar:

NM_001330677.2(TBX15):c.1655T>C (p.Phe552Ser)

Gene: TBX15 (T-box transcription factor 15; minus strand). Cytogenetic location: 1p12.
Variant type: single nucleotide variant.
Coding change: c.1655T>C on transcript NM_001330677.2 (MANE Select); coding-DNA position 1655, T replaced by C.
Protein change: p.Phe552Ser; replaces phenylalanine 552 with serine.
Molecular consequence: missense variant.
Genome position (GRCh38, 1-based): chr1:118,884,886, A>G on the plus strand (T>C on the coding strand, the complement: TBX15 is on the minus strand). VCF-style: chr1-118884886-A-G. GRCh37 (hg19) VCF-style: chr1-119427509-A-G.
Other names: c.1337T>C, p.Phe446Ser (NM_152380.3); short protein forms F446S, F552S.
Identifiers: ClinVar variation 4799533 (VCV004799533.1).

ClinVar aggregate classification (germline): Uncertain significance (1 of 4 stars; one submission).

gnomAD v4.1: 2 of 1,614,182 alleles (0.00012%); highest among the groups gnomAD compares: Non-Finnish European, 0.00017%; no homozygotes.

Submission:

Labcorp Genetics (formerly Invitae), Labcorp
Classification: Uncertain significance. Last evaluated: 2025-10-11. Review status: criteria provided, single submitter. Criteria: Invitae Variant Classification Sherloc (09022015). Collection method: clinical testing. Allele origin: germline.
Comment: This sequence change replaces phenylalanine, which is neutral and non-polar, with serine, which is neutral and polar, at codon 446 of the TBX15 protein (p.Phe446Ser). This variant is present in population databases (no rsID available, gnomAD 0.0009%). This variant has not been reported in the literature in individuals affected with TBX15-related conditions. An algorithm developed to predict the effect of missense changes on protein structure and function (PolyPhen-2) suggests that this variant is likely to be disruptive. In summary, the available evidence is currently insufficient to determine the role of this variant in disease. Therefore, it has been classified as a Variant of Uncertain Significance.